The following is an entry in ClinVar:

NM_001111067.4(ACVR1):c.395T>C (p.Val132Ala)

Gene: ACVR1 (activin A receptor type 1; minus strand). Cytogenetic location: 2q24.1.
Variant type: single nucleotide variant.
Coding change: c.395T>C on transcript NM_001111067.4 (MANE Select); coding-DNA position 395, T replaced by C.
Protein change: p.Val132Ala; replaces valine 132 with alanine.
Molecular consequence: missense variant.
Genome position (GRCh38, 1-based): chr2:157,778,279, A>G on the plus strand (T>C on the coding strand, the complement: ACVR1 is on the minus strand). VCF-style: chr2-157778279-A-G. GRCh37 (hg19) VCF-style: chr2-158634791-A-G.
Other names: c.395T>C, p.Val132Ala (NM_001105.5, NM_001347663.1, NM_001347664.1 and 3 more transcripts); short protein forms V132A.
Identifiers: ClinVar variation 3696093 (VCV003696093.2).

ClinVar aggregate classification (germline): Uncertain significance (1 of 4 stars; one submission).

gnomAD v4.1: 7 of 1,613,982 alleles (0.00043%); highest among the groups gnomAD compares: East Asian, 0.011%; no homozygotes.

Submission:

Labcorp Genetics (formerly Invitae), Labcorp
Classification: Uncertain significance. Last evaluated: 2024-11-16. Review status: criteria provided, single submitter. Criteria: Invitae Variant Classification Sherloc (09022015). Collection method: clinical testing. Allele origin: germline.
Comment: This sequence change replaces valine, which is neutral and non-polar, with alanine, which is neutral and non-polar, at codon 132 of the ACVR1 protein (p.Val132Ala). This variant is present in population databases (rs74905152, gnomAD 0.02%). This variant has not been reported in the literature in individuals affected with ACVR1-related conditions. An algorithm developed to predict the effect of missense changes on protein structure and function (PolyPhen-2) suggests that this variant is likely to be tolerated. In summary, the available evidence is currently insufficient to determine the role of this variant in disease. Therefore, it has been classified as a Variant of Uncertain Significance.